The following is an entry in ClinVar:

ClinVar aggregate classification (germline): Uncertain significance (1 of 4 stars; one submission).

Allele frequency attached by ClinVar (database versions not stated): gnomAD exomes 0.00001.
gnomAD v4.1: 3 of 1,606,604 alleles (0.00019%); highest among the groups gnomAD compares: Non-Finnish European, 0.00026%; no homozygotes.

Submission:

Labcorp Genetics (formerly Invitae), Labcorp
Classification: Uncertain significance. Last evaluated: 2022-02-11. Review status: criteria provided, single submitter. Criteria: Invitae Variant Classification Sherloc (09022015). Collection method: clinical testing. Allele origin: germline.
Comment: In summary, the available evidence is currently insufficient to determine the role of this variant in disease. Therefore, it has been classified as a Variant of Uncertain Significance. Algorithms developed to predict the effect of sequence changes on RNA splicing suggest that this variant may create or strengthen a splice site. Advanced modeling of protein sequence and biophysical properties (such as structural, functional, and spatial information, amino acid conservation, physicochemical variation, residue mobility, and thermodynamic stability) performed at Invitae indicates that this missense variant is not expected to disrupt MED13 protein function. This variant has not been reported in the literature in individuals affected with MED13-related conditions. This variant is present in population databases (no rsID available, gnomAD 0.0009%). This sequence change replaces isoleucine, which is neutral and non-polar, with methionine, which is neutral and non-polar, at codon 1395 of the MED13 protein (p.Ile1395Met).

NM_005121.3(MED13):c.4185A>G (p.Ile1395Met)

Gene: MED13 (mediator complex subunit 13; minus strand). Cytogenetic location: 17q23.2.
Variant type: single nucleotide variant.
Coding change: c.4185A>G on transcript NM_005121.3 (MANE Select); coding-DNA position 4185, A replaced by G.
Protein change: p.Ile1395Met; replaces isoleucine 1395 with methionine.
Molecular consequence: missense variant.
Genome position (GRCh38, 1-based): chr17:61,968,041, T>C on the plus strand (A>G on the coding strand, the complement: MED13 is on the minus strand). VCF-style: chr17-61968041-T-C. GRCh37 (hg19) VCF-style: chr17-60045402-T-C.
Other names: short protein forms I1395M.
Identifiers: ClinVar variation 2096777 (VCV002096777.4), dbSNP rs1364203726, ClinGen allele CA400498330.